The following is an entry in ClinVar:

ClinVar aggregate classification (germline): Uncertain significance (1 of 4 stars; one submission).

Conditions:
PCNT-related disorder. Also called: PCNT-related condition.

gnomAD v4.1: 1 of 1,565,034 alleles (0.000064%); highest among the groups gnomAD compares: African/African-American, 0.0014%; no homozygotes.

Submission:

PreventionGenetics, part of Exact Sciences
Classification: Uncertain significance for PCNT-related condition. Last evaluated: 2025-07-16. Review status: criteria provided, single submitter. Criteria: ACMG Guidelines, 2015. Collection method: clinical testing. Allele origin: germline.
Comment: The PCNT c.6752T>C variant is predicted to result in the amino acid substitution p.Leu2251Pro. To our knowledge, this variant has not been reported in the literature or in a large population database (gnomAD), indicating this variant is rare. At this time, the clinical significance of this variant is uncertain due to the absence of conclusive functional and genetic evidence.

NM_006031.6(PCNT):c.6752T>C (p.Leu2251Pro)

Gene: PCNT (pericentrin; plus strand). Cytogenetic location: 21q22.3.
Variant type: single nucleotide variant.
Coding change: c.6752T>C on transcript NM_006031.6 (MANE Select); coding-DNA position 6752, T replaced by C.
Protein change: p.Leu2251Pro; replaces leucine 2251 with proline.
Molecular consequence: missense variant.
Genome position (GRCh38, 1-based): chr21:46,416,670, T>C. VCF-style: chr21-46416670-T-C. GRCh37 (hg19) VCF-style: chr21-47836584-T-C.
Other names: c.6398T>C, p.Leu2133Pro (NM_001315529.2); short protein forms L2251P, L2133P.
Identifiers: ClinVar variation 4986022 (VCV004986022.1).